The following is an entry in ClinVar:

ClinVar aggregate classification (germline): Uncertain significance (1 of 4 stars; one submission).

Conditions:
Intellectual developmental disorder, X-linked, syndromic, Raymond type. Also called: Syndromic X-linked intellectual disability Raymond type. Identifiers: MedGen C3275406, MONDO:0010427, OMIM 300799.

Submissions (3):

Labcorp Genetics (formerly Invitae), Labcorp
Classification: Uncertain significance for Intellectual developmental disorder, X-linked, syndromic, Raymond type. Last evaluated: 2025-01-06. Review status: criteria provided, single submitter. Criteria: Invitae Variant Classification Sherloc (09022015). Collection method: clinical testing. Allele origin: germline.
Comment: This sequence change replaces glutamic acid, which is acidic and polar, with lysine, which is basic and polar, at codon 110 of the ZDHHC9 protein (p.Glu110Lys). This variant also falls at the last nucleotide of exon 4, which is part of the consensus splice site for this exon. This variant is not present in population databases (gnomAD no frequency). This variant has not been reported in the literature in individuals affected with ZDHHC9-related conditions. ClinVar contains an entry for this variant (Variation ID: 2018241). An algorithm developed to predict the effect of missense changes on protein structure and function (PolyPhen-2) suggests that this variant is likely to be disruptive. Variants that disrupt the consensus splice site are a relatively common cause of aberrant splicing (PMID: 17576681, 9536098). In summary, the available evidence is currently insufficient to determine the role of this variant in disease. Therefore, it has been classified as a Variant of Uncertain Significance.

Dr. Peter K. Rogan Lab, Western University
No classification provided (evidence only). Condition: Nonpapillary renal cell carcinoma. Review status: no classification provided. Collection method: in vitro. Allele origin: not applicable. Functional consequence: skipped exon. Not counted in ClinVar's aggregate classification.

Dr. Peter K. Rogan Lab, Western University
No classification provided (evidence only). Condition: Nonpapillary renal cell carcinoma. Review status: no classification provided. Collection method: in vitro. Allele origin: not applicable. Functional consequence: skipped exon. Not counted in ClinVar's aggregate classification.

Literature cited by the submitters: PubMed 17576681 (cited by Labcorp Genetics (formerly Invitae), Labcorp); PubMed 9536098 (cited by Labcorp Genetics (formerly Invitae), Labcorp).

NM_016032.4(ZDHHC9):c.328G>A (p.Glu110Lys)

Gene: ZDHHC9 (zDHHC palmitoyltransferase 9; minus strand). Cytogenetic location: Xq26.1.
Variant type: single nucleotide variant.
Coding change: c.328G>A on transcript NM_016032.4 (MANE Select); coding-DNA position 328, G replaced by A.
Protein change: p.Glu110Lys; replaces glutamic acid 110 with lysine.
Molecular consequence: missense variant.
Genome position (GRCh38, 1-based): chrX:129,828,981, C>T on the plus strand (G>A on the coding strand, the complement: ZDHHC9 is on the minus strand). VCF-style: chrX-129828981-C-T. GRCh37 (hg19) VCF-style: chrX-128962957-C-T.
Other names: c.328G>A, p.Glu110Lys (NM_001008222.3); short protein forms E110K.
Identifiers: ClinVar variation 2018241 (VCV002018241.5), dbSNP rs2522218515, ClinGen allele CA414592334.